The following is an entry in ClinVar:

NM_005428.4(VAV1):c.724-11C>T

Gene: VAV1 (vav guanine nucleotide exchange factor 1; plus strand). Cytogenetic location: 19p13.3.
Variant type: single nucleotide variant.
Coding change: c.724-11C>T on transcript NM_005428.4 (MANE Select); 11 bases into the intron before coding-DNA position 724, C replaced by T.
Molecular consequence: intron variant.
Genome position (GRCh38, 1-based): chr19:6,825,292, C>T. VCF-style: chr19-6825292-C-T. GRCh37 (hg19) VCF-style: chr19-6825303-C-T.
Other names: c.724-11C>T (NM_001258206.2); c.628-11C>T (NM_001258207.2).
Identifiers: ClinVar variation 1599135 (VCV001599135.9), dbSNP rs367963535, ClinGen allele CA9132334.
Genomic context (GRCh38, chr19:6,825,292, plus strand): 5'-GATGACCCTTTCCTTCCTGGCCCCCTGAGCCCTGGGCTCTGGTCCCAGCCCTCACCCTTC[C>T]CTCCGAGTAGGACCTGCTTCGTGTTCATACTCACTTCCTAAAGGAGATGAAGGAAGCCCT-3'

ClinVar aggregate classification (germline): Conflicting classifications of pathogenicity. Review status: criteria provided, conflicting classifications (1 of 4 stars). 2 submissions from 2 submitters: Uncertain significance (1); Benign (1). Last evaluated 2026-01-20.

Allele frequency attached by ClinVar (database versions not stated): gnomAD 0.00013; ESP Exome Variant Server 0.00015; TOPMed 0.00015; ExAC 0.00033; gnomAD exomes 0.00033.
gnomAD v4.1: 250 of 1,608,920 alleles (0.016%); highest among the groups gnomAD compares: Non-Finnish European, 0.0024%; 1 homozygote.

Submissions (2):

Labcorp Genetics (formerly Invitae), Labcorp
Classification: Benign. Last evaluated: 2026-01-20. Review status: criteria provided, single submitter. Criteria: Invitae Variant Classification Sherloc (09022015). Collection method: clinical testing. Allele origin: germline.

Center for Genomics, Ann and Robert H. Lurie Children's Hospital of Chicago
Classification: Uncertain significance. Last evaluated: 2021-03-30. Review status: criteria provided, single submitter. Criteria: ACMG Guidelines, 2015. Collection method: clinical testing. Allele origin: germline.
Comment: VAV1 NM_005428.3 exon 8 c.724-11C>T: This variant has not been reported in the literature but is present in 0.7% (80/10306) of Ashkenazi Jewish alleles in the Genome Aggregation Database. Evolutionary conservation and computational predictive tools for this variant are limited or unavailable. This variant is an intronic variant; splice prediction tools suggest that this variant may not affect splicing. However, further studies are needed to understand its impact. In summary, data on this variant is insufficient for disease classification. Therefore, the clinical significance of this variant is uncertain.